The following is an entry in ClinVar:

ClinVar aggregate classification (germline): Uncertain significance. Review status: criteria provided, single submitter (1 of 4 stars). 4 submissions from 1 submitter: Uncertain significance (4). Last evaluated 2022-10-25.

Conditions:
Tuberous sclerosis 1 (TSC1). Identifiers: Orphanet 805, MedGen C1854465, MONDO:0008612, OMIM 191100.
Leigh syndrome (NULS). Also called: Leigh's syndrome; LEIGH SYNDROME, NUCLEAR; Leigh's necrotizing encephalopathy; Leigh's disease; Leigh Syndrome (mtDNA deletion); Leigh Disease. Identifiers: Orphanet 506, MedGen C2931891, MONDO:0009723, OMIM 256000.
Rafiq syndrome (RAFQS). Identifiers: Orphanet 88616, MedGen C3280127, MONDO:0013624, OMIM 614202.
Autosomal dominant nocturnal frontal lobe epilepsy 5. Also called: CILIARY DYSKINESIA, PRIMARY, 28, WITHOUT SITUS INVERSUS; CILIARY DYSKINESIA, PRIMARY, 28, WITH SITUS INVERSUS; Epilepsy, nocturnal frontal lobe, 5; KCNT1-Related Epilepsy. Identifiers: Orphanet 98784, MedGen C3554306, MONDO:0014002, OMIM 615005.
Developmental and epileptic encephalopathy, 14 (DEE14). Also called: Early infantile epileptic encephalopathy 14. Identifiers: Orphanet 293181, MedGen C3554195, MONDO:0013989, OMIM 614959.

Submissions (4):

Labcorp Genetics (formerly Invitae), Labcorp
Classification: Uncertain significance for Leigh syndrome. Last evaluated: 2022-10-25. Review status: criteria provided, single submitter. Criteria: Invitae Variant Classification Sherloc (09022015). Collection method: clinical testing. Allele origin: germline.
Comment: A copy number gain of the genomic region encompassing the full coding sequence of the SURF1 gene has been identified. The boundaries of this event are unknown as they extend beyond the assayed region for this gene and therefore may encompass additional genes. As the precise location of this event is unknown, it may be in tandem or it may be located elsewhere in the genome. This variant has not been reported in the literature in individuals affected with SURF1-related conditions. In summary, the available evidence is currently insufficient to determine the role of this variant in disease. Therefore, it has been classified as a Variant of Uncertain Significance.

Labcorp Genetics (formerly Invitae), Labcorp
Classification: Uncertain significance for Autosomal dominant nocturnal frontal lobe epilepsy 5; Developmental and epileptic encephalopathy, 14. Last evaluated: 2022-10-25. Review status: criteria provided, single submitter. Criteria: Invitae Variant Classification Sherloc (09022015). Collection method: clinical testing. Allele origin: germline.
Comment: A copy number gain of the genomic region encompassing the full coding sequence of the KCNT1 gene has been identified. The boundaries of this event are unknown as they extend beyond the assayed region for this gene and therefore may encompass additional genes. As the precise location of this event is unknown, it may be in tandem or it may be located elsewhere in the genome. A similar copy number variant has been observed in individual(s) with epilepsy (Invitae). A similar copy number variant has been observed in at least one individual who was not affected with KCNT1-related conditions (Invitae). Experimental studies and prediction algorithms are not available or were not evaluated, and the functional significance of this variant is currently unknown. In summary, the available evidence is currently insufficient to determine the role of this variant in disease. Therefore, it has been classified as a Variant of Uncertain Significance.

Labcorp Genetics (formerly Invitae), Labcorp
Classification: Uncertain significance for Tuberous sclerosis 1. Last evaluated: 2022-10-25. Review status: criteria provided, single submitter. Criteria: Invitae Variant Classification Sherloc (09022015). Collection method: clinical testing. Allele origin: germline.
Comment: A copy number gain of the genomic region encompassing the full coding sequence of the TSC1 gene has been identified. The boundaries of this event are unknown as they extend beyond the assayed region for this gene and therefore may encompass additional genes. As the precise location of this event is unknown, it may be in tandem or it may be located elsewhere in the genome. This variant has not been reported in the literature in individuals affected with TSC1-related conditions. In summary, the available evidence is currently insufficient to determine the role of this variant in disease. Therefore, it has been classified as a Variant of Uncertain Significance.

Labcorp Genetics (formerly Invitae), Labcorp
Classification: Uncertain significance for Rafiq syndrome. Last evaluated: 2022-10-25. Review status: criteria provided, single submitter. Criteria: Invitae Variant Classification Sherloc (09022015). Collection method: clinical testing. Allele origin: germline.
Comment: A copy number gain of the genomic region encompassing the full coding sequence of the MAN1B1 gene has been identified. The boundaries of this event are unknown as they extend beyond the assayed region for this gene and therefore may encompass additional genes. As the precise location of this event is unknown, it may be in tandem or it may be located elsewhere in the genome. This variant has not been reported in the literature in individuals affected with MAN1B1-related conditions. In summary, the available evidence is currently insufficient to determine the role of this variant in disease. Therefore, it has been classified as a Variant of Uncertain Significance.

NC_000009.11:g.(?_135139626)_(140034216_?)dup

Genes: ABCA2 (ATP binding cassette subfamily A member 2; minus strand), ABO (ABO, alpha 1-3-N-acetylgalactosaminyltransferase and alpha 1-3-galactosyltransferase; minus strand), ADAMTS13 (ADAM metallopeptidase with thrombospondin type 1 motif 13; plus strand), ADAMTSL2 (ADAMTS like 2; plus strand), AGPAT2 (1-acylglycerol-3-phosphate O-acyltransferase 2; minus strand) and 97 more. Cytogenetic location: 9q34.13-34.3.
Variant type: Duplication.
Identifiers: ClinVar variation 2422970 (VCV002422970.6).